The following is an entry in ClinVar:

NM_001365536.1(SCN9A):c.5791G>C (p.Asp1931His)

Genes: SCN1A-AS1 (SCN1A and SCN9A antisense RNA 1; plus strand), SCN9A (sodium voltage-gated channel alpha subunit 9; minus strand). Cytogenetic location: 2q24.3.
Variant type: single nucleotide variant.
Coding change: c.5791G>C on transcript NM_001365536.1 (MANE Select); coding-DNA position 5791, G replaced by C.
Protein change: p.Asp1931His; replaces aspartic acid 1931 with histidine.
Molecular consequence: missense variant.
Genome position (GRCh38, 1-based): chr2:166,198,848, C>G on the plus strand (G>C on the coding strand, the complement: SCN9A is on the minus strand). VCF-style: chr2-166198848-C-G. GRCh37 (hg19) VCF-style: chr2-167055358-C-G.
Other names: c.5758G>C, p.Asp1920His (NM_002977.4); short protein forms D1920H, D1931H.
Identifiers: ClinVar variation 448296 (VCV000448296.22), dbSNP rs200410805, ClinGen allele CA1943614.

ClinVar aggregate classification (germline): Conflicting classifications of pathogenicity. Review status: criteria provided, conflicting classifications (1 of 4 stars). 7 submissions from 7 submitters: Uncertain significance (3); Likely benign (4). Last evaluated 2026-06-12.

Conditions:
SCN9A-related disorder. Also called: SCN9A-related disorders; SCN9A-related condition.
Inborn genetic diseases. Identifiers: MedGen C0950123, MeSH D030342.
Neuropathy, hereditary sensory and autonomic, type 2A (HSAN2A). Also called: HSAN IIA; ACROOSTEOLYSIS, GIACCAI TYPE; ACROOSTEOLYSIS, NEUROGENIC; MORVAN DISEASE; NEUROPATHY, CONGENITAL SENSORY; NEUROPATHY, HEREDITARY SENSORY RADICULAR, AUTOSOMAL RECESSIVE. Identifiers: Orphanet 970, MedGen C2752089, MONDO:0024309, OMIM 201300.
Generalized epilepsy with febrile seizures plus, type 7 (GEFSP7). Also called: GEFS+, TYPE 7. Identifiers: Orphanet 36387, MedGen C2751778, MONDO:0013470, OMIM 613863.

Allele frequency attached by ClinVar (database versions not stated): gnomAD exomes 0.00027; ExAC 0.00034; 1000 Genomes Project 0.00060; gnomAD 0.00121; ESP Exome Variant Server 0.00132; TOPMed 0.00135.
gnomAD v4.1: 347 of 1,613,688 alleles (0.022%); highest among the groups gnomAD compares: African/African-American, 0.42%; no homozygotes.

Submissions (7):

GeneDx
Classification: Uncertain significance. Last evaluated: 2026-06-12. Review status: criteria provided, single submitter. Criteria: GeneDx Variant Classification Process June 2021. Collection method: clinical testing. Allele origin: germline.
Comment: In silico analysis supports that this missense variant has a deleterious effect on protein structure/function; Has not been previously published as pathogenic or benign to our knowledge

PreventionGenetics, part of Exact Sciences
Classification: Likely benign for SCN9A-related condition. Last evaluated: 2026-02-03. Review status: criteria provided, single submitter. Criteria: ACMG Guidelines, 2015. Collection method: clinical testing. Allele origin: germline.
Comment: This variant is classified as likely benign based on ACMG/AMP sequence variant interpretation guidelines (Richards et al. 2015 PMID: 25741868, with internal and published modifications).

Labcorp Genetics (formerly Invitae), Labcorp
Classification: Likely benign for Neuropathy, hereditary sensory and autonomic, type 2A; Generalized epilepsy with febrile seizures plus, type 7. Last evaluated: 2025-12-21. Review status: criteria provided, single submitter. Criteria: Invitae Variant Classification Sherloc (09022015). Collection method: clinical testing. Allele origin: germline.

Women's Health and Genetics/Laboratory Corporation of America, LabCorp
Classification: Likely benign. Last evaluated: 2025-01-22. Review status: criteria provided, single submitter. Criteria: LabCorp Variant Classification Summary - May 2015. Collection method: clinical testing. Allele origin: germline.
Comment: Variant summary: SCN9A c.5758G>C (p.Asp1920His) results in a non-conservative amino acid change in the encoded protein sequence. Three of five in-silico tools predict a benign effect of the variant on protein function. The variant allele was found at a frequency of 0.00027 in 248784 control chromosomes, predominantly at a frequency of 0.0041 within the African or African-American subpopulation in the gnomAD database. The observed variant frequency within African or African-American control individuals in the gnomAD database is approximately 3.67 fold of the estimated maximal expected allele frequency for a pathogenic variant in SCN9A causing Channelopathy-Associated Congenital Insensitivity To Pain, Autosomal Recessive phenotype (0.0011). To our knowledge, no occurrence of c.5758G>C in individuals affected with Channelopathy-Associated Congenital Insensitivity To Pain, Autosomal Recessive and no experimental evidence demonstrating its impact on protein function have been reported. ClinVar contains an entry for this variant (Variation ID: 448296). Based on the evidence outlined above, the variant was classified as likely benign.

Ambry Genetics
Classification: Likely benign for Inborn genetic diseases. Last evaluated: 2020-01-08. Review status: criteria provided, single submitter. Criteria: Ambry Variant Classification Scheme 2023. Collection method: clinical testing. Allele origin: germline.

Eurofins Ntd Llc (ga)
Classification: Uncertain significance. Last evaluated: 2017-04-27. Review status: criteria provided, single submitter. Criteria: EGL Classification Definitions 2015. Collection method: clinical testing. Allele origin: germline. Observed: 1 variant allele, 1 heterozygote.

Athena Diagnostics
Classification: Uncertain significance. Last evaluated: 2017-04-26. Review status: criteria provided, single submitter. Criteria: Athena Diagnostics Criteria. Collection method: clinical testing. Allele origin: germline.